The following is an entry in ClinVar:

ClinVar aggregate classification (germline): Uncertain significance. Review status: criteria provided, multiple submitters, no conflicts (2 of 4 stars). 2 submissions from 2 submitters: Uncertain significance (2). Last evaluated 2023-07-25.

Conditions:
Bardet-Biedl syndrome (BBS). Identifiers: Orphanet 110, MedGen C0752166, MONDO:0015229.

Allele frequency attached by ClinVar (database versions not stated): gnomAD exomes below 0.00001.
gnomAD v4.1: 2 of 1,614,004 alleles (0.00012%); highest among the groups gnomAD compares: Non-Finnish European, 0.00017%; no homozygotes.

Submissions (2):

Blueprint Genetics
Classification: Uncertain significance. Last evaluated: 2023-07-25. Review status: criteria provided, single submitter. Criteria: ACMG Guidelines, 2015. Collection method: clinical testing. Allele origin: germline.

Labcorp Genetics (formerly Invitae), Labcorp
Classification: Uncertain significance for Bardet-Biedl syndrome. Last evaluated: 2022-10-25. Review status: criteria provided, single submitter. Criteria: Invitae Variant Classification Sherloc (09022015). Collection method: clinical testing. Allele origin: germline.
Comment: This sequence change replaces arginine, which is basic and polar, with glutamine, which is neutral and polar, at codon 703 of the BBS2 protein (p.Arg703Gln). This variant is not present in population databases (gnomAD no frequency). This variant has not been reported in the literature in individuals affected with BBS2-related conditions. ClinVar contains an entry for this variant (Variation ID: 1414270). Advanced modeling of protein sequence and biophysical properties (such as structural, functional, and spatial information, amino acid conservation, physicochemical variation, residue mobility, and thermodynamic stability) performed at Invitae indicates that this missense variant is not expected to disrupt BBS2 protein function. In summary, the available evidence is currently insufficient to determine the role of this variant in disease. Therefore, it has been classified as a Variant of Uncertain Significance.

NM_031885.5(BBS2):c.2108G>A (p.Arg703Gln)

Gene: BBS2 (Bardet-Biedl syndrome 2; minus strand). Cytogenetic location: 16q13.
Variant type: single nucleotide variant.
Coding change: c.2108G>A on transcript NM_031885.5 (MANE Select); coding-DNA position 2108, G replaced by A.
Protein change: p.Arg703Gln; replaces arginine 703 with glutamine.
Molecular consequence: missense variant. On other transcripts: non-coding transcript variant (5).
Genome position (GRCh38, 1-based): chr16:56,484,819, C>T on the plus strand (G>A on the coding strand, the complement: BBS2 is on the minus strand). VCF-style: chr16-56484819-C-T. GRCh37 (hg19) VCF-style: chr16-56518731-C-T.
Other names: c.2108G>A, p.Arg703Gln (NM_001377456.1); short protein forms R703Q.
Identifiers: ClinVar variation 1414270 (VCV001414270.6), dbSNP rs1963728958, ClinGen allele CA395972449.
Genomic context (GRCh38, chr16:56,484,819, plus strand): 5'-ACCTAGGAAGAAGCTGTCCCCACTCGCATGATTTTGAACAGTGTGTTGATGTTATTGCTT[C>T]GAATTGCATCCCGACAAGCAGTGATCACCTGGTTCTTTGGTTTTCCAACTGCATAAGAAG-3'
Protein context (NP_114091.4, residues 693-713): QVITACRDAI[Arg703Gln]SNNINTLFKI